The following is an entry in ClinVar:

NM_022356.4(P3H1):c.2055+1G>A

Gene: P3H1 (prolyl 3-hydroxylase 1; minus strand). Cytogenetic location: 1p34.2.
Variant type: single nucleotide variant.
Coding change: c.2055+1G>A on transcript NM_022356.4 (MANE Select); the canonical splice donor site of the intron after coding-DNA position 2055, G replaced by A.
Molecular consequence: splice donor variant. On other transcripts: missense variant (2).
Genome position (GRCh38, 1-based): chr1:42,747,271, C>T on the plus strand (G>A on the coding strand, the complement: P3H1 is on the minus strand). VCF-style: chr1-42747271-C-T. GRCh37 (hg19) VCF-style: chr1-43212942-C-T.
Other names: c.2056G>A, p.Val686Met (NM_001146289.2, NM_001243246.2); short protein forms V686M.
Identifiers: ClinVar variation 1418473 (VCV001418473.8), dbSNP rs2124076040, ClinGen allele CA339952233.

ClinVar aggregate classification (germline): Pathogenic (1 of 4 stars; one submission).

Conditions:
Osteogenesis imperfecta type 8 (OI8). Identifiers: MedGen C1970458, MONDO:0012581, OMIM 610915.

Submission:

Labcorp Genetics (formerly Invitae), Labcorp
Classification: Pathogenic for Osteogenesis imperfecta type 8. Last evaluated: 2023-07-14. Review status: criteria provided, single submitter. Criteria: Invitae Variant Classification Sherloc (09022015). Collection method: clinical testing. Allele origin: germline.
Comment: This sequence change affects a donor splice site in intron 14 of the P3H1 gene. While this variant is not anticipated to result in nonsense mediated decay, it likely alters RNA splicing and results in a disrupted protein product. For these reasons, this variant has been classified as Pathogenic. This variant disrupts a region of the P3H1 protein in which other variant(s) (p.Glu719Argfs*11) have been determined to be pathogenic (PMID: 22615817). This suggests that this is a clinically significant region of the protein, and that variants that disrupt it are likely to be disease-causing. Variants that disrupt the consensus splice site are a relatively common cause of aberrant splicing (PMID: 17576681, 9536098). Algorithms developed to predict the effect of sequence changes on RNA splicing suggest that this variant may disrupt the consensus splice site. ClinVar contains an entry for this variant (Variation ID: 1418473). This variant has not been reported in the literature in individuals affected with P3H1-related conditions. This variant is not present in population databases (gnomAD no frequency).

Literature cited by the submitters: PubMed 22615817; PubMed 17576681; PubMed 9536098.